The following is an entry in ClinVar:

NM_015338.6(ASXL1):c.4378T>C (p.Ser1460Pro)

Gene: ASXL1 (ASXL transcriptional regulator 1; plus strand). Cytogenetic location: 20q11.21.
Variant type: single nucleotide variant.
Coding change: c.4378T>C on transcript NM_015338.6 (MANE Select); coding-DNA position 4378, T replaced by C.
Protein change: p.Ser1460Pro; replaces serine 1460 with proline.
Molecular consequence: missense variant.
Genome position (GRCh38, 1-based): chr20:32,437,090, T>C. VCF-style: chr20-32437090-T-C. GRCh37 (hg19) VCF-style: chr20-31024893-T-C.
Other names: c.4195T>C, p.Ser1399Pro (NM_001363734.1); short protein forms S1460P, S1399P.
Identifiers: ClinVar variation 3954872 (VCV003954872.1).

ClinVar aggregate classification (germline): Uncertain significance (1 of 4 stars; one submission).

Conditions:
Inborn genetic diseases. Identifiers: MedGen C0950123, MeSH D030342.

gnomAD v4.1: 1 of 1,614,110 alleles (0.000062%); highest among the groups gnomAD compares: Non-Finnish European, 0.000085%; no homozygotes.

Submission:

Ambry Genetics
Classification: Uncertain significance for Inborn genetic diseases. Last evaluated: 2025-03-15. Review status: criteria provided, single submitter. Criteria: Ambry Variant Classification Scheme 2023. Collection method: clinical testing. Allele origin: germline.
Comment: The p.S1460P variant (also known as c.4378T>C), located in coding exon 13 of the ASXL1 gene, results from a T to C substitution at nucleotide position 4378. The serine at codon 1460 is replaced by proline, an amino acid with similar properties. This amino acid position is conserved. In addition, this alteration is predicted to be tolerated by in silico analysis. Based on the available evidence, the clinical significance of this variant remains unclear.